The following is an entry in ClinVar:

ClinVar aggregate classification (germline): Uncertain significance (1 of 4 stars; one submission).

Submission:

GeneDx
Classification: Uncertain significance. Last evaluated: 2025-10-11. Review status: criteria provided, single submitter. Criteria: GeneDx Variant Classification Process June 2021. Collection method: clinical testing. Allele origin: germline. Affected: yes.
Comment: Not observed at significant frequency in large population cohorts (gnomAD); In silico analysis supports that this missense variant has a deleterious effect on protein structure/function; Has not been previously published as pathogenic or benign to our knowledge

NM_000254.3(MTR):c.2353C>A (p.His785Asn)

Gene: MTR (5-methyltetrahydrofolate-homocysteine methyltransferase; plus strand). Cytogenetic location: 1q43.
Variant type: single nucleotide variant.
Coding change: c.2353C>A on transcript NM_000254.3 (MANE Select); coding-DNA position 2353, C replaced by A.
Protein change: p.His785Asn; replaces histidine 785 with asparagine.
Molecular consequence: missense variant.
Genome position (GRCh38, 1-based): chr1:236,863,502, C>A. VCF-style: chr1-236863502-C-A. GRCh37 (hg19) VCF-style: chr1-237026802-C-A.
Other names: c.2200C>A, p.His734Asn (NM_001291939.1); c.1132C>A, p.His378Asn (NM_001291940.2); short protein forms H378N, H734N, H785N.
Identifiers: ClinVar variation 1307924 (VCV001307924.3), dbSNP rs2103313766, ClinGen allele CA345379014.